The following is an entry in ClinVar:

NM_007327.4(GRIN1):c.394-13C>T

Gene: GRIN1 (glutamate ionotropic receptor NMDA type subunit 1; plus strand). Cytogenetic location: 9q34.3.
Variant type: single nucleotide variant.
Coding change: c.394-13C>T on transcript NM_007327.4 (MANE Select); 13 bases into the intron before coding-DNA position 394, C replaced by T.
Molecular consequence: intron variant.
Genome position (GRCh38, 1-based): chr9:137,145,713, C>T. VCF-style: chr9-137145713-C-T. GRCh37 (hg19) VCF-style: chr9-140040165-C-T.
Other names: c.394-13C>T (NM_001185090.2, NM_001185091.2, NM_021569.4 and 1 more transcripts).
Identifiers: ClinVar variation 383893 (VCV000383893.9), dbSNP rs757225081, ClinGen allele CA5360646.

ClinVar aggregate classification (germline): Likely benign. Review status: criteria provided, multiple submitters, no conflicts (2 of 4 stars). 2 submissions from 2 submitters: Likely benign (2). Last evaluated 2025-01-19.

Conditions:
Neurodevelopmental disorder with or without hyperkinetic movements and seizures, autosomal dominant. Also called: Intellectual disability, autosomal dominant 8. Identifiers: MedGen C3280282, MONDO:0013655, OMIM 614254.

Allele frequency attached by ClinVar (database versions not stated): gnomAD 0.00001; TOPMed 0.00002; ExAC 0.00003; gnomAD exomes 0.00003.
gnomAD v4.1: 60 of 1,611,036 alleles (0.0037%); highest among the groups gnomAD compares: Middle Eastern, 0.017%; 1 homozygote.

Submissions (2):

Labcorp Genetics (formerly Invitae), Labcorp
Classification: Likely benign for Neurodevelopmental disorder with or without hyperkinetic movements and seizures, autosomal dominant. Last evaluated: 2025-01-19. Review status: criteria provided, single submitter. Criteria: Invitae Variant Classification Sherloc (09022015). Collection method: clinical testing. Allele origin: germline.

GeneDx
Classification: Likely benign. Last evaluated: 2016-02-26. Review status: criteria provided, single submitter. Criteria: GeneDx Variant Classification (06012015). Collection method: clinical testing. Allele origin: germline. Affected: yes.
Comment: This variant is considered likely benign or benign based on one or more of the following criteria: it is a conservative change, it occurs at a poorly conserved position in the protein, it is predicted to be benign by multiple in silico algorithms, and/or has population frequency not consistent with disease.